The following is an entry in ClinVar:

ClinVar aggregate classification (germline): Likely benign. Review status: criteria provided, multiple submitters, no conflicts (2 of 4 stars). 3 submissions from 3 submitters: Likely benign (2). 1 of the submissions does not count toward it. Last evaluated 2025-10-01.

Conditions:
ARHGDIA-related disorder. Also called: ARHGDIA-related condition.

Submissions (3):

CeGaT Center for Human Genetics Tuebingen
Classification: Likely benign. Last evaluated: 2025-10-01. Review status: criteria provided, single submitter. Criteria: CeGaT Center For Human Genetics Tuebingen Variant Classification Criteria Version 2. Collection method: clinical testing. Allele origin: germline. Affected: yes. Observed: 1 variant allele.
Comment: ARHGDIA: PM4, BS2

Blueprint Genetics
Classification: Likely benign. Last evaluated: 2024-09-25. Review status: criteria provided, single submitter. Criteria: ACMG Guidelines, 2015. Collection method: clinical testing. Allele origin: germline.

PreventionGenetics, part of Exact Sciences
Classification: Likely benign for ARHGDIA-related condition. Last evaluated: 2020-09-28. Review status: no assertion criteria provided. Collection method: clinical testing. Allele origin: germline. Not counted in ClinVar's aggregate classification.
Comment: This variant is classified as likely benign based on ACMG/AMP sequence variant interpretation guidelines (Richards et al. 2015 PMID: 25741868, with internal and published modifications).

NM_004309.6(ARHGDIA):c.275-53_275-36dup

Genes: ARHGDIA (Rho GDP dissociation inhibitor alpha; minus strand), LOC130061973 (ATAC-STARR-seq lymphoblastoid silent region 9158; plus strand). Cytogenetic location: 17q25.3.
Variant type: Duplication.
Coding change: c.275-53_275-36dup on transcript NM_004309.6 (MANE Select); 53 bases into the intron before coding-DNA position 275 through 36 bases into the intron before coding-DNA position 275, 18 bases duplicated (GGGCTTCGCGCAGGGCTG).
Molecular consequence: intron variant.
Genome position (GRCh38, 1-based): chr17:81,869,442-81,869,459, CAGCCCTGCGCGAAGCCC duplicated on the plus strand (GGGCTTCGCGCAGGGCTG on the coding strand, the reverse complement: ARHGDIA is on the minus strand); duplicating any 18 consecutive bases within chr17:81,869,442-81,869,471 gives the same sequence; the c. name uses the placement nearest the transcript's 3' end. VCF-style (leftmost placement, unchanged base first): chr17-81869441-G-GCAGCCCTGCGCGAAGCCC. GRCh37 (hg19) VCF-style: chr17-79827317-G-GCAGCCCTGCGCGAAGCCC.
Other names: c.357_374dup, p.Gly124_Cys125insTrpGlyPheAlaGlnGly (NM_001301243.2); c.275-53_275-36dup (NM_001185078.3, NM_001301242.2, NM_001301240.2 and 2 more transcripts).
Identifiers: ClinVar variation 3039326 (VCV003039326.9), dbSNP rs760805237, ClinGen allele CA8843326.